The following is an entry in ClinVar:

ClinVar aggregate classification (germline): Uncertain significance (1 of 4 stars; one submission).

Allele frequency attached by ClinVar (database versions not stated): TOPMed below 0.00001; gnomAD exomes 0.00001.
gnomAD v4.1: 9 of 1,614,188 alleles (0.00056%); highest among the groups gnomAD compares: Non-Finnish European, 0.00068%; no homozygotes.

Submission:

GeneDx
Classification: Uncertain significance. Last evaluated: 2022-12-09. Review status: criteria provided, single submitter. Criteria: GeneDx Variant Classification Process June 2021. Collection method: clinical testing. Allele origin: germline. Affected: yes.
Comment: Not observed at significant frequency in large population cohorts (gnomAD); In silico analysis supports that this missense variant does not alter protein structure/function; Has not been previously published as pathogenic or benign to our knowledge

NM_002855.5(NECTIN1):c.299T>C (p.Leu100Pro)

Gene: NECTIN1 (nectin cell adhesion molecule 1; minus strand). Cytogenetic location: 11q23.3.
Variant type: single nucleotide variant.
Coding change: c.299T>C on transcript NM_002855.5 (MANE Select); coding-DNA position 299, T replaced by C.
Protein change: p.Leu100Pro; replaces leucine 100 with proline.
Molecular consequence: missense variant.
Genome position (GRCh38, 1-based): chr11:119,678,546, A>G on the plus strand (T>C on the coding strand, the complement: NECTIN1 is on the minus strand). VCF-style: chr11-119678546-A-G. GRCh37 (hg19) VCF-style: chr11-119549256-A-G.
Other names: c.299T>C, p.Leu100Pro (NM_203285.2, NM_203286.2); short protein forms L100P.
Identifiers: ClinVar variation 2504697 (VCV002504697.1), dbSNP rs1458745574, ClinGen allele CA383282595.